The following is an entry in ClinVar:

ClinVar aggregate classification (germline): Uncertain significance (1 of 4 stars; one submission).

Conditions:
Gamma-aminobutyric acid transaminase deficiency (GABATD). Also called: GABA transaminase deficiency; Gamma aminobutyrate transaminase deficiency; 4 alpha aminobutyrate transaminase deficiency; GABA aminotransaminase deficiency. Identifiers: Orphanet 2066, MedGen C0342708, MONDO:0013166, OMIM 613163.

Allele frequency attached by ClinVar (database versions not stated): gnomAD exomes below 0.00001.

Submission:

Labcorp Genetics (formerly Invitae), Labcorp
Classification: Uncertain significance for Gamma-aminobutyric acid transaminase deficiency. Last evaluated: 2023-04-24. Review status: criteria provided, single submitter. Criteria: Invitae Variant Classification Sherloc (09022015). Collection method: clinical testing. Allele origin: germline.
Comment: In summary, the available evidence is currently insufficient to determine the role of this variant in disease. Therefore, it has been classified as a Variant of Uncertain Significance. Advanced modeling of protein sequence and biophysical properties (such as structural, functional, and spatial information, amino acid conservation, physicochemical variation, residue mobility, and thermodynamic stability) performed at Invitae indicates that this missense variant is not expected to disrupt ABAT protein function. ClinVar contains an entry for this variant (Variation ID: 1366235). This variant has not been reported in the literature in individuals affected with ABAT-related conditions. This variant is not present in population databases (gnomAD no frequency). This sequence change replaces aspartic acid, which is acidic and polar, with glutamic acid, which is acidic and polar, at codon 385 of the ABAT protein (p.Asp385Glu).

NM_020686.6(ABAT):c.1155C>A (p.Asp385Glu)

Gene: ABAT (4-aminobutyrate aminotransferase; plus strand). Cytogenetic location: 16p13.2.
Variant type: single nucleotide variant.
Coding change: c.1155C>A on transcript NM_020686.6 (MANE Select); coding-DNA position 1155, C replaced by A.
Protein change: p.Asp385Glu; replaces aspartic acid 385 with glutamic acid.
Molecular consequence: missense variant.
Genome position (GRCh38, 1-based): chr16:8,776,376, C>A. VCF-style: chr16-8776376-C-A. GRCh37 (hg19) VCF-style: chr16-8870233-C-A.
Other names: c.1155C>A, p.Asp385Glu (NM_000663.5, NM_001127448.2, NM_001386600.1 and 6 more transcripts); c.1116C>A, p.Asp372Glu (NM_001386605.1); c.1092C>A, p.Asp364Glu (NM_001386606.1, NM_001386607.1); c.1062C>A, p.Asp354Glu (NM_001386608.1); c.1020C>A, p.Asp340Glu (NM_001386610.1, NM_001386611.1); c.957C>A, p.Asp319Glu (NM_001386612.1, NM_001386613.1); c.909C>A, p.Asp303Glu (NM_001386614.1); c.1251C>A, p.Asp417Glu (NM_001386615.1); short protein forms D319E, D372E, D340E, D303E, D364E, D385E, D417E, D354E.
Identifiers: ClinVar variation 1366235 (VCV001366235.8), dbSNP rs2142998239, ClinGen allele CA394690202.